The following is an entry in ClinVar:

ClinVar aggregate classification (germline): Benign. Review status: reviewed by expert panel (3 of 4 stars). 10 submissions from 10 submitters: Benign (1). 9 of the submissions do not count toward it. Last evaluated 2019-06-18.

Conditions:
BRCA2-related disorder. Also called: BRCA2-related condition; BRCA2-related disorders. Identifiers: MedGen CN239275.
Hereditary cancer-predisposing syndrome. Also called: Tumor predisposition; Neoplastic Syndromes, Hereditary; Hereditary neoplastic syndrome; Hereditary Cancer Syndrome. Identifiers: Orphanet 140162, MedGen C0027672, MeSH D009386, MONDO:0015356.
Hereditary breast ovarian cancer syndrome. Also called: Hereditary breast and ovarian cancer syndrome; Hereditary breast and ovarian cancer; Hereditary breast and ovarian cancer syndrome (HBOC); Hereditary breast and/or ovarian cancer syndrome; BRCA1- and BRCA2-Associated Hereditary Breast and Ovarian Cancer; Breast and ovarian cancer. Identifiers: Orphanet 145, MedGen C0677776, MeSH D061325, MONDO:0003582. Disease mechanism: loss of function.
Breast-ovarian cancer, familial, susceptibility to, 2 (BROVCA2). Also called: BRCA2 Hereditary Breast and Ovarian Cancer. Identifiers: Orphanet 145, MedGen C2675520, MONDO:0012933, OMIM 612555. Disease mechanism: loss of function.

Allele frequency attached by ClinVar (database versions not stated): gnomAD exomes below 0.00001; TOPMed below 0.00001.

Submissions (10):

Evidence-based Network for the Interpretation of Germline Mutant Alleles (ENIGMA)
Classification: Benign for Breast-ovarian cancer, familial, susceptibility to, 2. Last evaluated: 2019-06-18. Review status: reviewed by expert panel. Criteria: ENIGMA BRCA1/2 Classification Criteria (2017-06-29). Collection method: curation. Allele origin: germline.
Comment: IARC class based on posterior probability from multifactorial likelihood analysis, thresholds for class as per Plon et al. 2008 (PMID: 18951446). Class 1 based on posterior probability = 0.000831

PreventionGenetics, part of Exact Sciences
Classification: Likely benign for BRCA2-related condition. Last evaluated: 2026-06-23. Review status: criteria provided, single submitter. Criteria: ACMG Guidelines, 2015. Collection method: clinical testing. Allele origin: germline. Not counted in ClinVar's aggregate classification.
Comment: This variant is classified as likely benign based on ACMG/AMP sequence variant interpretation guidelines (Richards et al. 2015 PMID: 25741868, with internal and published modifications).

Labcorp Genetics (formerly Invitae), Labcorp
Classification: Likely benign for Hereditary breast ovarian cancer syndrome. Last evaluated: 2025-07-31. Review status: criteria provided, single submitter. Criteria: Invitae Variant Classification Sherloc (09022015). Collection method: clinical testing. Allele origin: germline. Not counted in ClinVar's aggregate classification.

GeneKor MSA
Classification: Benign for Hereditary breast ovarian cancer syndrome. Last evaluated: 2025-07-10. Review status: criteria provided, single submitter. Criteria: ACMG Guidelines, 2015. Collection method: clinical testing. Allele origin: germline. Not counted in ClinVar's aggregate classification.

Women's Health and Genetics/Laboratory Corporation of America, LabCorp
Classification: Uncertain significance. Last evaluated: 2023-11-20. Review status: criteria provided, single submitter. Criteria: LabCorp Variant Classification Summary - May 2015. Collection method: clinical testing. Allele origin: germline. Not counted in ClinVar's aggregate classification.
Comment: Variant summary: BRCA2 c.9043A>G (p.Lys3015Glu) results in a conservative amino acid change located in the OB3 domain (IPR015188) of the encoded protein sequence. Five of five in-silico tools predict a benign effect of the variant on protein function. The variant allele was found at a frequency of 4e-06 in 250458 control chromosomes (gnomAD). The available data on variant occurrences in the general population are insufficient to allow any conclusion about variant significance. c.9043A>G has been reported in the literature as a VUS or Likely benign change in a setting of multigene testing in at least two individuals affected with breast/ovarian cancer (e.g. Apessos_2018, Matta_2022). This report does not provide unequivocal conclusions about association of the variant with Hereditary Breast And Ovarian Cancer Syndrome. Several publications have used a variety of predictive models to classify the variant as part of the CAGI5 (fifth Critical Assessment of Genome Interpretation) ENIGMA Challenge. These models include a prediction protocol that incorporates several assessments of the impact of this variant on splicing and protein function (Padilla_2019), a multifactorial likelihood model which uses clinical data such as co-occurrences and co-segregation to predict pathogenicity (Parsons_2019), as well as a number of predictive models developed by six different teams which use a variety of methods including machine learning which consider structural and functional predictors often in addition to clinical data (Cline_2019). In each of these publications, the variant was given a classification of benign. However, these predictions have yet to confirmed with functional studies, as to our knowledge, no experimental evidence demonstrating an impact on protein function has been reported. The following publications have been ascertained in the context of this evaluation (PMID: 29310832, 31294896, 36329109, 31112341, 31131967). Seven submitters have cited clinical-significance assessments for this variant to ClinVar after 2014. Multiple submitters reported the variant with conflicting assessments (VUS (n=2), benign (n=2)/likely benign (n=3)). Based on the evidence outlined above, the variant was classified as VUS-possibly benign.

Mendelics
Classification: Benign for Breast-ovarian cancer, familial, susceptibility to, 2. Last evaluated: 2023-08-22. Review status: criteria provided, single submitter. Criteria: Mendelics Assertion Criteria 2019. Collection method: clinical testing. Allele origin: germline. Not counted in ClinVar's aggregate classification.

Ambry Genetics
Classification: Likely benign for Hereditary cancer-predisposing syndrome. Last evaluated: 2022-01-11. Review status: criteria provided, single submitter. Criteria: Ambry Variant Classification Scheme 2023. Collection method: clinical testing. Allele origin: germline. Not counted in ClinVar's aggregate classification.

Genetics Program, Instituto Nacional de Cancer
Classification: Likely benign for Hereditary breast ovarian cancer syndrome. Last evaluated: 2021-11-01. Review status: criteria provided, single submitter. Criteria: ACMG Guidelines, 2015. Collection method: research. Allele origin: germline. Affected: yes. Not counted in ClinVar's aggregate classification.

Color Diagnostics, LLC DBA Color Health
Classification: Uncertain significance for Hereditary cancer-predisposing syndrome. Last evaluated: 2019-11-19. Review status: criteria provided, single submitter. Criteria: ACMG Guidelines, 2015. Collection method: clinical testing. Allele origin: germline. Not counted in ClinVar's aggregate classification.
Comment: This missense variant replaces lysine with glutamic acid at codon 3015 of the BRCA2 protein. Computational prediction suggests that this variant may not impact protein structure and function (internally defined REVEL score threshold <= 0.5, PMID: 27666373). Splice site prediction tools suggest that this variant may not impact RNA splicing. To our knowledge, functional studies have not been performed for this variant. This variant has been reported in a multifactorial analysis as benign based on co-occurrence and family history likelihood ratios (PMID: 31131967). This variant has also been reported in individual(s) who underwent BRCA genetic testing (PMID: 29310832). This variant has been identified in 1/250458 chromosomes in the general population by the Genome Aggregation Database (gnomAD). The available evidence is insufficient to determine the role of this variant in disease conclusively. Therefore, this variant is classified as a Variant of Uncertain Significance.

GeneDx
Classification: Uncertain significance. Last evaluated: 2015-12-07. Review status: criteria provided, single submitter. Criteria: GeneDx Variant Classification (06012015). Collection method: clinical testing. Allele origin: germline. Affected: yes. Not counted in ClinVar's aggregate classification.
Comment: This variant is denoted BRCA2 c.9043A>G at the cDNA level, p.Lys3015Glu (K3015E) at the protein level, and results in the change of a Lysine to a Glutamic Acid (AAA>GAA). Using alternate nomenclature, this variant would be defined as BRCA2 9271A>G. This variant has not, to our knowledge, been published in the literature as pathogenic or benign. BRCA2 Lys3015Glu was not observed in approximately 6,500 individuals of European and African American ancestry in the NHLBI Exome Sequencing Project, suggesting it is not a common benign variant in these populations. Since Lysine and Glutamic Acid differ in polarity, charge, size or other properties, this is considered a non-conservative amino acid substitution. BRCA2 Lys3015Glu occurs at a position that is not conserved and is located in the DNA binding domain (Borg 2010). In silico analyses predict that this variant is unlikely to alter protein structure or function. Based on currently available evidence, it is unclear whether BRCA2 Lys3015Glu is a pathogenic or benign variant. We consider it to be a variant of uncertain significance.

Literature cited by the submitters: PubMed 31131967 (cited by 3 submitters); PubMed 29310832 (cited by Women's Health and Genetics/Laboratory Corporation of America, LabCorp and Ambry Genetics); PubMed 31112341 (cited by Women's Health and Genetics/Laboratory Corporation of America, LabCorp); PubMed 31294896 (cited by Women's Health and Genetics/Laboratory Corporation of America, LabCorp); PubMed 36329109 (cited by Women's Health and Genetics/Laboratory Corporation of America, LabCorp and Genetics Program, Instituto Nacional de Cancer); PubMed 17924331 (cited by Ambry Genetics).

NM_000059.4(BRCA2):c.9043A>G (p.Lys3015Glu)

Gene: BRCA2 (BRCA2 DNA repair associated; plus strand). Cytogenetic location: 13q13.1.
Variant type: single nucleotide variant.
Coding change: c.9043A>G on transcript NM_000059.4 (MANE Select); coding-DNA position 9043, A replaced by G.
Protein change: p.Lys3015Glu; replaces lysine 3015 with glutamic acid.
Molecular consequence: missense variant.
Genome position (GRCh38, 1-based): chr13:32,379,839, A>G. VCF-style: chr13-32379839-A-G. GRCh37 (hg19) VCF-style: chr13-32953976-A-G.
Other names: short protein forms K3015E.
Identifiers: ClinVar variation 141104 (VCV000141104.53), dbSNP rs587781497, ClinGen allele CA025941.
Genomic context (GRCh38, chr13:32,379,839, plus strand): 5'-GATTTATATTCTCTGTTAACAGAAGGAAAGAGATACAGAATTTATCATCTTGCAACTTCA[A>G]AATCTAAAAGTAAATCTGAAAGAGCTAACATACAGTTAGCAGCGACAAAAAAAACTCAGT-3'
Protein context (NP_000050.3, residues 3005-3025): RYRIYHLATS[Lys3015Glu]SKSKSERANI